The following is an entry in ClinVar:

ClinVar aggregate classification (germline): Uncertain significance (1 of 4 stars; one submission).

Conditions:
Hereditary cancer-predisposing syndrome. Also called: Neoplastic Syndromes, Hereditary; Hereditary Cancer Syndrome; Hereditary neoplastic syndrome; Tumor predisposition. Identifiers: Orphanet 140162, MedGen C0027672, MeSH D009386, MONDO:0015356.

Submission:

Ambry Genetics
Classification: Uncertain significance for Hereditary cancer-predisposing syndrome. Last evaluated: 2023-04-22. Review status: criteria provided, single submitter. Criteria: Ambry Variant Classification Scheme 2023. Collection method: clinical testing. Allele origin: germline.
Comment: The p.V767A variant (also known as c.2300T>C), located in coding exon 11 of the BARD1 gene, results from a T to C substitution at nucleotide position 2300. The valine at codon 767 is replaced by alanine, an amino acid with similar properties. This amino acid position is conserved. In addition, this alteration is predicted to be tolerated by in silico analysis. Since supporting evidence is limited at this time, the clinical significance of this alteration remains unclear.

NM_000465.4(BARD1):c.2300T>C (p.Val767Ala)

Gene: BARD1 (BRCA1 associated RING domain 1; minus strand). Cytogenetic location: 2q35.
Variant type: single nucleotide variant.
Coding change: c.2300T>C on transcript NM_000465.4 (MANE Select); coding-DNA position 2300, T replaced by C.
Protein change: p.Val767Ala; replaces valine 767 with alanine.
Molecular consequence: missense variant. On other transcripts: non-coding transcript variant (3).
Genome position (GRCh38, 1-based): chr2:214,728,710, A>G on the plus strand (T>C on the coding strand, the complement: BARD1 is on the minus strand). VCF-style: chr2-214728710-A-G. GRCh37 (hg19) VCF-style: chr2-215593434-A-G.
Other names: c.2243T>C, p.Val748Ala (NM_001282543.2); c.947T>C, p.Val316Ala (NM_001282545.2); c.890T>C, p.Val297Ala (NM_001282548.2); c.761T>C, p.Val254Ala (NM_001282549.2); short protein forms V254A, V316A, V767A, V297A, V748A.
Identifiers: ClinVar variation 2565202 (VCV002565202.2), dbSNP rs2105986212, ClinGen allele CA350449800.